The following is an entry in ClinVar:

NM_004655.4(AXIN2):c.121G>T (p.Gly41Cys)

Gene: AXIN2 (axin 2; minus strand). Cytogenetic location: 17q24.1.
Variant type: single nucleotide variant.
Coding change: c.121G>T on transcript NM_004655.4 (MANE Select); coding-DNA position 121, G replaced by T.
Protein change: p.Gly41Cys; replaces glycine 41 with cysteine.
Molecular consequence: missense variant.
Genome position (GRCh38, 1-based): chr17:65,558,500, C>A on the plus strand (G>T on the coding strand, the complement: AXIN2 is on the minus strand). VCF-style: chr17-65558500-C-A. GRCh37 (hg19) VCF-style: chr17-63554618-C-A.
Other names: c.121G>T, p.Gly41Cys (NM_001363813.1); short protein forms G41C.
Identifiers: ClinVar variation 1752814 (VCV001752814.2), dbSNP rs755444120, ClinGen allele CA8719100.

ClinVar aggregate classification (germline): Uncertain significance (1 of 4 stars; one submission).

Conditions:
Hereditary cancer-predisposing syndrome. Also called: Neoplastic Syndromes, Hereditary; Tumor predisposition; Hereditary Cancer Syndrome; Hereditary neoplastic syndrome. Identifiers: Orphanet 140162, MedGen C0027672, MeSH D009386, MONDO:0015356.

Allele frequency attached by ClinVar (database versions not stated): ExAC 0.00001.
gnomAD v4.1: 1 of 1,612,512 alleles (0.000062%); highest among the groups gnomAD compares: East Asian, 0.0022%; no homozygotes.

Submission:

Ambry Genetics
Classification: Uncertain significance for Hereditary cancer-predisposing syndrome. Last evaluated: 2022-04-03. Review status: criteria provided, single submitter. Criteria: Ambry Variant Classification Scheme 2023. Collection method: clinical testing. Allele origin: germline.
Comment: The p.G41C variant (also known as c.121G>T), located in coding exon 1 of the AXIN2 gene, results from a G to T substitution at nucleotide position 121. The glycine at codon 41 is replaced by cysteine, an amino acid with highly dissimilar properties. This amino acid position is conserved. In addition, the in silico prediction for this alteration is inconclusive. Since supporting evidence is limited at this time, the clinical significance of this alteration remains unclear.